The following is an entry in ClinVar:

ClinVar aggregate classification (germline): Uncertain significance (1 of 4 stars; one submission).

Conditions:
Cardiovascular phenotype. Identifiers: MedGen CN230736.

Submission:

Ambry Genetics
Classification: Uncertain significance for Cardiovascular phenotype. Last evaluated: 2023-05-19. Review status: criteria provided, single submitter. Criteria: Ambry Variant Classification Scheme 2023. Collection method: clinical testing. Allele origin: germline.
Comment: The p.A1638S variant (also known as c.4912G>T), located in coding exon 18 of the AKAP9 gene, results from a G to T substitution at nucleotide position 4912. The alanine at codon 1638 is replaced by serine, an amino acid with similar properties. This amino acid position is conserved. In addition, this alteration is predicted to be tolerated by in silico analysis. Since supporting evidence is limited at this time, the clinical significance of this alteration remains unclear.

NM_005751.5(AKAP9):c.4912G>T (p.Ala1638Ser)

Gene: AKAP9 (A-kinase anchoring protein 9; plus strand). Cytogenetic location: 7q21.2.
Variant type: single nucleotide variant.
Coding change: c.4912G>T on transcript NM_005751.5 (MANE Select); coding-DNA position 4912, G replaced by T.
Protein change: p.Ala1638Ser; replaces alanine 1638 with serine.
Molecular consequence: missense variant.
Genome position (GRCh38, 1-based): chr7:92,040,893, G>T. VCF-style: chr7-92040893-G-T. GRCh37 (hg19) VCF-style: chr7-91670207-G-T.
Other names: c.4912G>T, p.Ala1638Ser (NM_147185.3); short protein forms A1638S.
Identifiers: ClinVar variation 2564486 (VCV002564486.2), dbSNP rs749031818, ClinGen allele CA161897034.